The following is an entry in ClinVar:

NM_000542.5(SFTPB):c.437G>A (p.Arg146Gln)

Gene: SFTPB (surfactant protein B; minus strand). Cytogenetic location: 2p11.2.
Variant type: single nucleotide variant.
Coding change: c.437G>A on transcript NM_000542.5 (MANE Select); coding-DNA position 437, G replaced by A.
Protein change: p.Arg146Gln; replaces arginine 146 with glutamine.
Molecular consequence: missense variant.
Genome position (GRCh38, 1-based): chr2:85,665,751, C>T on the plus strand (G>A on the coding strand, the complement: SFTPB is on the minus strand). VCF-style: chr2-85665751-C-T. GRCh37 (hg19) VCF-style: chr2-85892874-C-T.
Other names: c.437G>A, p.Arg146Gln (NM_001367281.2, NM_198843.4); short protein forms R146Q.
Identifiers: ClinVar variation 3232041 (VCV003232041.1), dbSNP rs367831550, ClinGen allele CA1744033.
Genomic context (GRCh38, chr2:85,665,751, plus strand): 5'-TCCCGCAGAGGTTTGGGCAGGGGGTCTGACATCCCTGGCTCCTGCTCTGGCTCTGGCTGC[C>T]GGGATTTGCACAGGCCCAGGTGCATACAGATGCCGTTTGAGTCCTGGGGCACAGCACAGG-3'
Protein context (NP_000533.4, residues 136-156): ICMHLGLCKS[Arg146Gln]QPEPEQEPGM

ClinVar aggregate classification (germline): Uncertain significance (1 of 4 stars; one submission).

Conditions:
Hereditary pulmonary alveolar proteinosis. Also called: Pulmonary surfactant metabolism dysfunction. Identifiers: Orphanet 264675, MedGen C3711368, MONDO:0012580.

Allele frequency attached by ClinVar (database versions not stated): ESP Exome Variant Server 0.00008; gnomAD 0.00009; TOPMed 0.00010; 1000 Genomes Project 0.00040; 1000 Genomes Project 30x 0.00047.
gnomAD v4.1: 107 of 1,614,160 alleles (0.0066%); highest among the groups gnomAD compares: Middle Eastern, 0.033%; no homozygotes.

Submission:

Ambry Genetics
Classification: Uncertain significance for Hereditary pulmonary alveolar proteinosis. Last evaluated: 2024-02-28. Review status: criteria provided, single submitter. Criteria: Ambry Variant Classification Scheme 2023. Collection method: clinical testing. Allele origin: germline.
Comment: The p.R158Q variant (also known as c.473G>A), located in coding exon 5 of the SFTPB gene, results from a G to A substitution at nucleotide position 473. The arginine at codon 158 is replaced by glutamine, an amino acid with highly similar properties. This amino acid position is conserved. In addition, this alteration is predicted to be tolerated by in silico analysis. Based on the available evidence, the clinical significance of this alteration remains unclear.